The following is an entry in ClinVar:

ClinVar aggregate classification (germline): Uncertain significance (1 of 4 stars; one submission).

Conditions:
Pseudo-Hurler polydystrophy. Also called: MUCOLIPIDOSIS IIIA; ML III; ML III ALPHA/BETA; Type III Mucolipidosis; ML IIIA; Mucolipidosis III Alpha/Beta. Identifiers: Orphanet 423461, Orphanet 577, MedGen C0033788, MONDO:0018931, OMIM 252600.
Mucolipidosis type II. Also called: Mucolipidosis II Alpha/Beta; ML II ALPHA/BETA; Mucolipidosis 2; ML 2; Inclusion cell disease; Leroy Disease. Identifiers: Orphanet 576, MedGen C2673377, MONDO:0009650, OMIM 252500.

Allele frequency attached by ClinVar (database versions not stated): gnomAD exomes below 0.00001; ExAC 0.00002.
gnomAD v4.1: 5 of 1,614,062 alleles (0.00031%); highest among the groups gnomAD compares: South Asian, 0.0055%; no homozygotes.

Submission:

Labcorp Genetics (formerly Invitae), Labcorp
Classification: Uncertain significance for Pseudo-Hurler polydystrophy; Mucolipidosis type II. Last evaluated: 2022-01-02. Review status: criteria provided, single submitter. Criteria: Invitae Variant Classification Sherloc (09022015). Collection method: clinical testing. Allele origin: germline.
Comment: This sequence change falls in intron 11 of the GNPTAB gene. It does not directly change the encoded amino acid sequence of the GNPTAB protein. It affects a nucleotide within the consensus splice site. This variant is present in population databases (rs774118450, gnomAD 0.006%). This variant has not been reported in the literature in individuals affected with GNPTAB-related conditions. Variants that disrupt the consensus splice site are a relatively common cause of aberrant splicing (PMID: 17576681, 9536098). Algorithms developed to predict the effect of sequence changes on RNA splicing suggest that this variant may disrupt the consensus splice site. In summary, the available evidence is currently insufficient to determine the role of this variant in disease. Therefore, it has been classified as a Variant of Uncertain Significance.

Literature cited by the submitters: PubMed 17576681; PubMed 9536098.

NM_024312.5(GNPTAB):c.1408+5G>C

Gene: GNPTAB (N-acetylglucosamine-1-phosphate transferase subunits alpha and beta; minus strand). Cytogenetic location: 12q23.2.
Variant type: single nucleotide variant.
Coding change: c.1408+5G>C on transcript NM_024312.5 (MANE Select); 5 bases into the intron after coding-DNA position 1408, G replaced by C.
Molecular consequence: intron variant.
Genome position (GRCh38, 1-based): chr12:101,768,032, C>G on the plus strand (G>C on the coding strand, the complement: GNPTAB is on the minus strand). VCF-style: chr12-101768032-C-G. GRCh37 (hg19) VCF-style: chr12-102161810-C-G.
Identifiers: ClinVar variation 2057252 (VCV002057252.1), dbSNP rs774118450, ClinGen allele CA6746641.
Genomic context (GRCh38, chr12:101,768,032, plus strand): 5'-TCAATAATGATTAAGAAGAAAATATTCCATAAAAATGAACGAATTACAGTTTAACACATC[C>G]TTACCAGAGCAATCCCCACCATCCCAATCGCAGGCTGAATTATTACAAGCCTTGTCACAA-3'